The following is an entry in ClinVar:

NM_030777.4(SLC2A10):c.170G>T (p.Gly57Val)

Gene: SLC2A10 (solute carrier family 2 member 10; plus strand). Cytogenetic location: 20q13.12.
Variant type: single nucleotide variant.
Coding change: c.170G>T on transcript NM_030777.4 (MANE Select); coding-DNA position 170, G replaced by T.
Protein change: p.Gly57Val; replaces glycine 57 with valine.
Molecular consequence: missense variant.
Genome position (GRCh38, 1-based): chr20:46,725,206, G>T. VCF-style: chr20-46725206-G-T. GRCh37 (hg19) VCF-style: chr20-45353845-G-T.
Other names: short protein forms G57V.
Identifiers: ClinVar variation 947313 (VCV000947313.10), dbSNP rs369796310, ClinGen allele CA9891924.

ClinVar aggregate classification (germline): Uncertain significance. Review status: criteria provided, multiple submitters, no conflicts (2 of 4 stars). 4 submissions from 4 submitters: Uncertain significance (4). Last evaluated 2024-01-18.

Conditions:
Familial thoracic aortic aneurysm and aortic dissection (TAAD). Also called: Thoracic aortic aneurysms and dissections. Identifiers: Orphanet 91387, MedGen C4707243, MONDO:0019625.
Arterial tortuosity syndrome (ATORS). Identifiers: Orphanet 3342, MedGen C1859726, MONDO:0008818, OMIM 208050.

Allele frequency attached by ClinVar (database versions not stated): gnomAD 0.00001; gnomAD exomes 0.00001; ExAC 0.00002; TOPMed 0.00002; ESP Exome Variant Server 0.00008.

Submissions (4):

ARUP Laboratories, Molecular Genetics and Genomics, ARUP Laboratories
Classification: Uncertain significance for Arterial tortuosity syndrome. Last evaluated: 2024-01-18. Review status: criteria provided, single submitter. Criteria: ARUP Molecular Germline Variant Investigation Process 2024. Collection method: clinical testing. Allele origin: germline.
Comment: The SLC2A10 c.170G>T; p.Gly57Val variant (rs369796310), to our knowledge, is not reported in the medical literature but is reported in ClinVar (Variation ID: 947313). This variant is only observed on four alleles in the Genome Aggregation Database (v2.1.1), indicating it is not a common polymorphism. Computational analyses predict that this variant is deleterious (REVEL: 0.783). Due to limited information, the clinical significance of this variant is uncertain at this time.

Ambry Genetics
Classification: Uncertain significance for Familial thoracic aortic aneurysm and aortic dissection. Last evaluated: 2023-09-01. Review status: criteria provided, single submitter. Criteria: Ambry Variant Classification Scheme 2023. Collection method: clinical testing. Allele origin: germline.
Comment: The p.G57V variant (also known as c.170G>T), located in coding exon 2 of the SLC2A10 gene, results from a G to T substitution at nucleotide position 170. The glycine at codon 57 is replaced by valine, an amino acid with dissimilar properties. This amino acid position is highly conserved in available vertebrate species. In addition, this alteration is predicted to be deleterious by in silico analysis. Since supporting evidence is limited at this time, the clinical significance of this alteration remains unclear.

GeneDx
Classification: Uncertain significance. Last evaluated: 2023-03-06. Review status: criteria provided, single submitter. Criteria: GeneDx Variant Classification Process June 2021. Collection method: clinical testing. Allele origin: germline. Affected: yes.
Comment: In silico analysis supports that this missense variant has a deleterious effect on protein structure/function; Has not been previously published as pathogenic or benign to our knowledge

Labcorp Genetics (formerly Invitae), Labcorp
Classification: Uncertain significance for Arterial tortuosity syndrome. Last evaluated: 2022-03-27. Review status: criteria provided, single submitter. Criteria: Invitae Variant Classification Sherloc (09022015). Collection method: clinical testing. Allele origin: germline.
Comment: This sequence change replaces glycine, which is neutral and non-polar, with valine, which is neutral and non-polar, at codon 57 of the SLC2A10 protein (p.Gly57Val). This variant is present in population databases (rs369796310, gnomAD 0.03%). This variant has not been reported in the literature in individuals affected with SLC2A10-related conditions. ClinVar contains an entry for this variant (Variation ID: 947313). Advanced modeling of protein sequence and biophysical properties (such as structural, functional, and spatial information, amino acid conservation, physicochemical variation, residue mobility, and thermodynamic stability) performed at Invitae indicates that this missense variant is expected to disrupt SLC2A10 protein function. In summary, the available evidence is currently insufficient to determine the role of this variant in disease. Therefore, it has been classified as a Variant of Uncertain Significance.